The following is an entry in ClinVar:

ClinVar aggregate classification (germline): Uncertain significance (1 of 4 stars; one submission).

Conditions:
Renal coloboma syndrome (PAPRS). Also called: OPTIC COLOBOMA, VESICOURETERAL REFLUX, AND RENAL ANOMALIES; OPTIC NERVE COLOBOMA WITH RENAL DISEASE; RENAL-COLOBOMA SYNDROME WITH MACULAR ABNORMALITIES; PAPILLORENAL SYNDROME WITH MILD OCULAR ABNORMALITIES; PAPILLORENAL SYNDROME; COLOBOMA OF OPTIC NERVE WITH RENAL DISEASE. Identifiers: Orphanet 1475, MedGen C1852759, MONDO:0007352, OMIM 120330.
Focal segmental glomerulosclerosis 7 (FSGS7). Identifiers: Orphanet 656, MedGen C4014925, MONDO:0014451, OMIM 616002.

Allele frequency attached by ClinVar (database versions not stated): gnomAD exomes below 0.00001.
gnomAD v4.1: 1 of 1,613,160 alleles (0.000062%); highest among the groups gnomAD compares: Non-Finnish European, 0.000085%; no homozygotes.

Submission:

Labcorp Genetics (formerly Invitae), Labcorp
Classification: Uncertain significance for Renal coloboma syndrome; Focal segmental glomerulosclerosis 7. Last evaluated: 2023-12-01. Review status: criteria provided, single submitter. Criteria: Invitae Variant Classification Sherloc (09022015). Collection method: clinical testing. Allele origin: germline.
Comment: This sequence change replaces serine, which is neutral and polar, with tyrosine, which is neutral and polar, at codon 184 of the PAX2 protein (p.Ser184Tyr). This variant is not present in population databases (gnomAD no frequency). This variant has not been reported in the literature in individuals affected with PAX2-related conditions. Experimental studies and prediction algorithms are not available or were not evaluated, and the functional significance of this variant is currently unknown. In summary, the available evidence is currently insufficient to determine the role of this variant in disease. Therefore, it has been classified as a Variant of Uncertain Significance.

NM_000278.5(PAX2):c.551C>A (p.Ser184Tyr)

Gene: PAX2 (paired box 2; plus strand). Cytogenetic location: 10q24.31.
Variant type: single nucleotide variant.
Coding change: c.551C>A on transcript NM_000278.5 (MANE Select); coding-DNA position 551, C replaced by A.
Protein change: p.Ser184Tyr; replaces serine 184 with tyrosine.
Molecular consequence: missense variant.
Genome position (GRCh38, 1-based): chr10:100,781,300, C>A. VCF-style: chr10-100781300-C-A. GRCh37 (hg19) VCF-style: chr10-102541057-C-A.
Other names: c.644C>A, p.Ser215Tyr (NM_001304569.2); c.551C>A, p.Ser184Tyr (NM_003987.5, NM_003988.5, NM_003989.5 and 1 more transcripts); short protein forms S215Y, S184Y.
Identifiers: ClinVar variation 2936539 (VCV002936539.3), dbSNP rs2493038452, ClinGen allele CA378258533.
Genomic context (GRCh38, chr10:100,781,300, plus strand): 5'-ATCCAGTTCCCAGCACGGCCTCCCCTCCTGTTTCCAGCGCCTCCAATGACCCAGTGGGAT[C>A]CTACTCCATCAATGGGATCCTGGGGATTCCTCGCTCCAATGGTGAGAAGAGGAAACGTGA-3'
Protein context (NP_000269.3, residues 174-194): VSSASNDPVG[Ser184Tyr]YSINGILGIP